The following is an entry in ClinVar:

NM_001101426.4(CRPPA):c.695A>G (p.Tyr232Cys)

Gene: CRPPA (CDP-L-ribitol pyrophosphorylase A; minus strand). Cytogenetic location: 7p21.2.
Variant type: single nucleotide variant.
Coding change: c.695A>G on transcript NM_001101426.4 (MANE Select); coding-DNA position 695, A replaced by G.
Protein change: p.Tyr232Cys; replaces tyrosine 232 with cysteine.
Molecular consequence: missense variant. On other transcripts: intron variant (1).
Genome position (GRCh38, 1-based): chr7:16,308,617, T>C on the plus strand (A>G on the coding strand, the complement: CRPPA is on the minus strand). VCF-style: chr7-16308617-T-C. GRCh37 (hg19) VCF-style: chr7-16348242-T-C.
Other names: c.545A>G, p.Tyr182Cys (NM_001101417.4); c.685-7151A>G (NM_001368197.1); short protein forms Y182C, Y232C.
Identifiers: ClinVar variation 950536 (VCV000950536.7), dbSNP rs200114996, ClinGen allele CA4169525.
Genomic context (GRCh38, chr7:16,308,617, plus strand): 5'-GCTTTAGTGCAACAGTATTTTAGGGCCAATTGCAAACACTCAGTTCCAAATTCCAAGTCA[T>C]AGTCACTACACTGGTGTGGAAACAACAACAACAACAATTAAGCTAAAATGCGATTTTAAG-3'
Protein context (NP_001094896.1, residues 222-242): IYEAYQQCSD[Tyr232Cys]DLEFGTECLQ

ClinVar aggregate classification (germline): Uncertain significance. Review status: criteria provided, multiple submitters, no conflicts (2 of 4 stars). 3 submissions from 3 submitters: Uncertain significance (3). Last evaluated 2025-04-11.

Conditions:
Autosomal recessive limb-girdle muscular dystrophy type 2U. Also called: Muscular dystrophy-dystroglycanopathy (limb-girdle), type c, 7; MUSCULAR DYSTROPHY, LIMB-GIRDLE, TYPE 2U. Identifiers: Orphanet 352479, MedGen C5190987, MONDO:0014474, OMIM 616052.
Muscular dystrophy-dystroglycanopathy (congenital with brain and eye anomalies), type A, 7. Also called: WALKER-WARBURG SYNDROME OR MUSCLE-EYE-BRAIN DISEASE, ISPD-RELATED; Congenital muscular dystrophy-dystroglycanopathy with brain and eye anomalies, type A7. Identifiers: Orphanet 899, MedGen C3553330, MONDO:0013835, OMIM 614643.

Allele frequency attached by ClinVar (database versions not stated): ExAC 0.00001; gnomAD exomes 0.00001; gnomAD 0.00002 and 0.00003; TOPMed 0.00004; ESP Exome Variant Server 0.00008.
gnomAD v4.1: 77 of 1,595,746 alleles (0.0048%); highest among the groups gnomAD compares: Non-Finnish European, 0.0057%; no homozygotes.

Submissions (3):

GeneDx
Classification: Uncertain significance. Last evaluated: 2025-04-11. Review status: criteria provided, single submitter. Criteria: GeneDx Variant Classification Process June 2021. Collection method: clinical testing. Allele origin: germline. Affected: yes.
Comment: Not observed at significant frequency in large population cohorts (gnomAD); In silico analysis supports that this missense variant has a deleterious effect on protein structure/function; Has not been previously published as pathogenic or benign to our knowledge; This variant is associated with the following publications: (PMID: 26687144)

Ambry Genetics
Classification: Uncertain significance. Last evaluated: 2024-05-08. Review status: criteria provided, single submitter. Criteria: Ambry Variant Classification Scheme 2023. Collection method: clinical testing. Allele origin: germline.

Labcorp Genetics (formerly Invitae), Labcorp
Classification: Uncertain significance for Muscular dystrophy-dystroglycanopathy (congenital with brain and eye anomalies), type A, 7; Autosomal recessive limb-girdle muscular dystrophy type 2U. Last evaluated: 2022-05-25. Review status: criteria provided, single submitter. Criteria: Invitae Variant Classification Sherloc (09022015). Collection method: clinical testing. Allele origin: germline.
Comment: This sequence change replaces tyrosine, which is neutral and polar, with cysteine, which is neutral and slightly polar, at codon 232 of the ISPD protein (p.Tyr232Cys). This variant is present in population databases (rs200114996, gnomAD 0.003%). This variant has not been reported in the literature in individuals affected with ISPD-related conditions. ClinVar contains an entry for this variant (Variation ID: 950536). Algorithms developed to predict the effect of missense changes on protein structure and function (SIFT, PolyPhen-2, Align-GVGD) all suggest that this variant is likely to be disruptive. Algorithms developed to predict the effect of sequence changes on RNA splicing suggest that this variant may create or strengthen a splice site. In summary, the available evidence is currently insufficient to determine the role of this variant in disease. Therefore, it has been classified as a Variant of Uncertain Significance.